The following is an entry in ClinVar:

NM_000492.4(CFTR):c.1891dup (p.Ser631fs)

Gene: CFTR (CF transmembrane conductance regulator; plus strand). Cytogenetic location: 7q31.2.
Variant type: Duplication.
Coding change: c.1891dup on transcript NM_000492.4 (MANE Select); coding-DNA position 1891, one base duplicated (T; older notation c.1891dupT).
Protein change: p.Ser631fs; shifts the reading frame from serine 631.
Molecular consequence: frameshift variant.
Genome position (GRCh38, 1-based): chr7:117,592,058, T duplicated; the last of 4 consecutive T bases (chr7:117,592,055-117,592,058); duplicating any one gives the same sequence. VCF-style (leftmost placement, unchanged base first): chr7-117592054-A-AT. GRCh37 (hg19) VCF-style: chr7-117232108-A-AT.
Other names: c.1891dupT (NM_000492.3, NM_000492.4); short protein forms S631fs.
Identifiers: ClinVar variation 1782081 (VCV001782081.4), dbSNP rs752572716, ClinGen allele CA4451110.

ClinVar aggregate classification (germline): Pathogenic/Likely pathogenic. Review status: criteria provided, multiple submitters, no conflicts (2 of 4 stars). 3 submissions from 3 submitters: Pathogenic (2); Likely pathogenic (1). Last evaluated 2025-03-03.

Conditions:
CFTR-related disorder (CFTR-RD). Also called: CFTR-related condition; CFTR-related disorders. Identifiers: MedGen C5924204, MONDO:7770004.
Cystic fibrosis (CF). Also called: MUCOVISCIDOSIS. Identifiers: Orphanet 586, MedGen C0010674, MONDO:0009061, OMIM 219700. Disease mechanism: loss of function.

Submissions (3):

Natera, Inc.
Classification: Likely pathogenic for CFTR-related disorders. Last evaluated: 2025-03-03. Review status: criteria provided, single submitter. Criteria: Natera Variant Classification Schema (03/2026). Collection method: clinical testing. Allele origin: germline.
Comment: The c.1891dupT variant in CFTR is a frameshift variant predicted to shift the reading frame beginning at codon 631 and leads to a stop codon 11 codons downstream. This variant is expected to result in nonsense mediated decay, truncation, or a dysfunctional protein product. This variant is rare in the general population with a frequency below the threshold expected for the associated phenotype(s). Given the available evidence, this variant is classified as Likely Pathogenic.

Women's Health and Genetics/Laboratory Corporation of America, LabCorp
Classification: Pathogenic for Cystic fibrosis. Last evaluated: 2024-07-05. Review status: criteria provided, single submitter. Criteria: LabCorp Variant Classification Summary - May 2015. Collection method: clinical testing. Allele origin: germline.
Comment: Variant summary: CFTR c.1891dupT (p.Ser631PhefsX11) results in a premature termination codon, predicted to absence of the protein due to nonsense mediated decay, which is a commonly known mechanism for disease. The variant allele was found at a frequency of 4.1e-06 in 244836 control chromosomes. To our knowledge, no occurrence of c.1891dupT in individuals affected with Cystic Fibrosis and no experimental evidence demonstrating its impact on protein function have been reported. ClinVar contains an entry for this variant (Variation ID: 1782081). Based on the evidence outlined above, the variant was classified as pathogenic.

Ambry Genetics
Classification: Pathogenic for Cystic fibrosis. Last evaluated: 2019-01-07. Review status: criteria provided, single submitter. Criteria: Ambry Variant Classification Scheme 2023. Collection method: clinical testing. Allele origin: germline.
Comment: The c.1891dupT pathogenic mutation, located in coding exon 14 of the CFTR gene, results from a duplication of T at nucleotide position 1891, causing a translational frameshift with a predicted alternate stop codon (p.S631Ffs*11). This alteration is expected to result in loss of function by premature protein truncation or nonsense-mediated mRNA decay. As such, this alteration is interpreted as a disease-causing mutation.